The following is an entry in ClinVar:

ClinVar aggregate classification (germline): Uncertain significance (1 of 4 stars; one submission).

Conditions:
Hereditary breast ovarian cancer syndrome. Also called: BRCA1- and BRCA2-Associated Hereditary Breast and Ovarian Cancer; Hereditary breast and/or ovarian cancer syndrome; Hereditary breast and ovarian cancer syndrome; Hereditary breast and ovarian cancer syndrome (HBOC); Breast and ovarian cancer; Hereditary breast and ovarian cancer. Identifiers: Orphanet 145, MedGen C0677776, MeSH D061325, MONDO:0003582. Disease mechanism: loss of function.

Submission:

Labcorp Genetics (formerly Invitae), Labcorp
Classification: Uncertain significance for Hereditary breast ovarian cancer syndrome. Last evaluated: 2024-04-08. Review status: criteria provided, single submitter. Criteria: Invitae Variant Classification Sherloc (09022015). Collection method: clinical testing. Allele origin: germline.
Comment: This sequence change replaces glutamic acid, which is acidic and polar, with lysine, which is basic and polar, at codon 1514 of the BRCA2 protein (p.Glu1514Lys). This variant is not present in population databases (gnomAD no frequency). This variant has not been reported in the literature in individuals affected with BRCA2-related conditions. Advanced modeling of protein sequence and biophysical properties (such as structural, functional, and spatial information, amino acid conservation, physicochemical variation, residue mobility, and thermodynamic stability) performed at Invitae indicates that this missense variant is not expected to disrupt BRCA2 protein function with a negative predictive value of 95%. In summary, the available evidence is currently insufficient to determine the role of this variant in disease. Therefore, it has been classified as a Variant of Uncertain Significance.

NM_000059.4(BRCA2):c.4540G>A (p.Glu1514Lys)

Gene: BRCA2 (BRCA2 DNA repair associated; plus strand). Cytogenetic location: 13q13.1.
Variant type: single nucleotide variant.
Coding change: c.4540G>A on transcript NM_000059.4 (MANE Select); coding-DNA position 4540, G replaced by A.
Protein change: p.Glu1514Lys; replaces glutamic acid 1514 with lysine.
Molecular consequence: missense variant. On other transcripts: non-coding transcript variant (1), intron variant (2).
Genome position (GRCh38, 1-based): chr13:32,338,895, G>A. VCF-style: chr13-32338895-G-A. GRCh37 (hg19) VCF-style: chr13-32913032-G-A.
Other names: c.4540G>A, p.Glu1514Lys (NM_001406719.1, NM_001406720.1, NM_001432077.1); c.1909+5508G>A (NM_001406721.1); c.425-5663G>A (NM_001406722.1); short protein forms E1514K.
Identifiers: ClinVar variation 3668802 (VCV003668802.2).
Genomic context (GRCh38, chr13:32,338,895, plus strand): 5'-AGTGTCCCAGTTGGTACTGGAAATCAACTAGTGACCTTCCAGGGACAACCCGAACGTGAT[G>A]AAAAGATCAAAGAACCTACTCTATTGGGTTTTCATACAGCTAGCGGGAAAAAAGTTAAAA-3'
Protein context (NP_000050.3, residues 1504-1524): VTFQGQPERD[Glu1514Lys]KIKEPTLLGF